The following is an entry in ClinVar:

ClinVar aggregate classification (germline): Pathogenic. Review status: criteria provided, multiple submitters, no conflicts (2 of 4 stars). 5 submissions from 5 submitters: Pathogenic (2). 3 of the submissions do not count toward it. Last evaluated 2025-07-21.

Conditions:
GFAP-related disorder. Also called: GFAP-related disorders; GFAP-related condition.
Alexander disease (ALXDRD). Also called: Alexander's disease. Identifiers: Orphanet 58, MedGen C0270726, MONDO:0008752, OMIM 203450.

Submissions (5):

PreventionGenetics, part of Exact Sciences
Classification: Pathogenic for GFAP-related condition. Last evaluated: 2025-07-21. Review status: criteria provided, single submitter. Criteria: ACMG Guidelines, 2015. Collection method: clinical testing. Allele origin: germline.
Comment: The GFAP c.226C>T variant is predicted to result in the amino acid substitution p.Leu76Phe. This variant was reported in at least two patients with clinical features consistent with Alexander disease (Rodriguez et al. 2001. PubMed ID: 11567214; Heshmatzad et al. 2021. PubMed ID: 34146839). This variant has not been reported in a large population database (gnomAD), indicating this variant is rare. Additional missense variants affecting this residue have been reported in patients with Alexander disease (Li et al. 2005. PubMed ID: 15732097, Grossi et al. 2021. PubMed ID: 34950187). The c.226C>T variant is interpreted as pathogenic.

CeGaT Center for Human Genetics Tuebingen
Classification: Pathogenic. Last evaluated: 2018-09-01. Review status: criteria provided, single submitter. Criteria: CeGaT Center For Human Genetics Tuebingen Variant Classification Criteria Version 2. Collection method: clinical testing. Allele origin: germline. Affected: yes. Observed: 1 variant allele.

OMIM
Classification: Pathogenic for ALEXANDER DISEASE. Last evaluated: 2001-11-01. Review status: no assertion criteria provided. Collection method: literature only. Allele origin: germline. Not counted in ClinVar's aggregate classification.

Epithelial Biology;  Institute of Medical Biology, Singapore
No classification provided. Review status: no classification provided. Collection method: not provided. Allele origin: not provided. Not counted in ClinVar's aggregate classification.

GeneReviews
No classification provided. Condition: Alexander disease. Review status: no classification provided. Collection method: literature only. Allele origin: germline. Not counted in ClinVar's aggregate classification.

Literature cited by the submitters: PubMed 11567214 (cited by OMIM and GeneReviews); NCBI Bookshelf NBK1172 (cited by GeneReviews); PubMed 15732097 (cited by GeneReviews).

NM_002055.5(GFAP):c.226C>T (p.Leu76Phe)

Gene: GFAP (glial fibrillary acidic protein; minus strand). Cytogenetic location: 17q21.31.
Variant type: single nucleotide variant.
Coding change: c.226C>T on transcript NM_002055.5 (MANE Select); coding-DNA position 226, C replaced by T.
Protein change: p.Leu76Phe; replaces leucine 76 with phenylalanine.
Molecular consequence: missense variant.
Genome position (GRCh38, 1-based): chr17:44,915,261, G>A on the plus strand (C>T on the coding strand, the complement: GFAP is on the minus strand). VCF-style: chr17-44915261-G-A. GRCh37 (hg19) VCF-style: chr17-42992629-G-A.
Other names: c.226C>T, p.Leu76Phe (NM_001131019.3, NM_001242376.3, NM_001363846.2); short protein forms L76F.
Identifiers: ClinVar variation 16174 (VCV000016174.42), dbSNP rs57120761, ClinGen allele CA217160.